The following is an entry in ClinVar:

NM_006031.6(PCNT):c.1937-8C>A

Gene: PCNT (pericentrin; plus strand). Cytogenetic location: 21q22.3.
Variant type: single nucleotide variant.
Coding change: c.1937-8C>A on transcript NM_006031.6 (MANE Select); 8 bases into the intron before coding-DNA position 1937, C replaced by A.
Molecular consequence: intron variant.
Genome position (GRCh38, 1-based): chr21:46,356,966, C>A. VCF-style: chr21-46356966-C-A. GRCh37 (hg19) VCF-style: chr21-47776881-C-A.
Other names: c.1583-8C>A (NM_001315529.2).
Identifiers: ClinVar variation 3354968 (VCV003354968.1).

ClinVar aggregate classification (germline): Likely benign (0 of 4 stars; one submission).

Conditions:
PCNT-related disorder. Also called: PCNT-related condition.

Submission:

PreventionGenetics, part of Exact Sciences
Classification: Likely benign for PCNT-related condition. Last evaluated: 2022-04-25. Review status: no assertion criteria provided. Collection method: clinical testing. Allele origin: germline.
Comment: This variant is classified as likely benign based on ACMG/AMP sequence variant interpretation guidelines (Richards et al. 2015 PMID: 25741868, with internal and published modifications).